The following is an entry in ClinVar:

ClinVar aggregate classification (germline): Uncertain significance. Review status: criteria provided, multiple submitters, no conflicts (2 of 4 stars). 2 submissions from 2 submitters: Uncertain significance (2). Last evaluated 2025-04-25.

Conditions:
Cardiovascular phenotype. Identifiers: MedGen CN230736.

Allele frequency attached by ClinVar (database versions not stated): TOPMed below 0.00001.
gnomAD v4.1: 4 of 1,614,182 alleles (0.00025%); highest among the groups gnomAD compares: Non-Finnish European, 0.00034%; no homozygotes.

Submissions (2):

Ambry Genetics
Classification: Uncertain significance for Cardiovascular phenotype. Last evaluated: 2025-04-25. Review status: criteria provided, single submitter. Criteria: Ambry Variant Classification Scheme 2023. Collection method: clinical testing. Allele origin: germline.

GeneDx
Classification: Uncertain significance. Last evaluated: 2023-03-31. Review status: criteria provided, single submitter. Criteria: GeneDx Variant Classification Process June 2021. Collection method: clinical testing. Allele origin: germline. Affected: yes.
Comment: Has not been previously published as pathogenic or benign to our knowledge; Not observed at significant frequency in large population cohorts (gnomAD); In silico analysis supports that this missense variant has a deleterious effect on protein structure/function

NM_002471.4(MYH6):c.2925C>A (p.Asn975Lys)

Gene: MYH6 (myosin heavy chain 6; minus strand). Cytogenetic location: 14q11.2.
Variant type: single nucleotide variant.
Coding change: c.2925C>A on transcript NM_002471.4 (MANE Select); coding-DNA position 2925, C replaced by A.
Protein change: p.Asn975Lys; replaces asparagine 975 with lysine.
Molecular consequence: missense variant.
Genome position (GRCh38, 1-based): chr14:23,393,669, G>T on the plus strand (C>A on the coding strand, the complement: MYH6 is on the minus strand). VCF-style: chr14-23393669-G-T. GRCh37 (hg19) VCF-style: chr14-23862878-G-T.
Other names: short protein forms N975K.
Identifiers: ClinVar variation 2567218 (VCV002567218.4), dbSNP rs1417105810, ClinGen allele CA389011667.